The following is an entry in ClinVar:

NM_003072.5(SMARCA4):c.4884_4887delinsTGAC (p.Asp1628_Asp1629=)

Gene: SMARCA4 (SWI/SNF related BAF chromatin remodeling complex subunit ATPase 4; plus strand). Cytogenetic location: 19p13.2.
Variant type: Indel.
Coding change: c.4884_4887delinsTGAC on transcript NM_003072.5 (MANE Select); coding-DNA positions 4884 to 4887, CGAT replaced by TGAC.
Protein change: p.Asp1628_Asp1629=.
Molecular consequence: synonymous variant. On other transcripts: non-coding transcript variant (1).
Genome position (GRCh38, 1-based): chr19:11,060,160-11,060,163, CGAT replaced by TGAC. VCF-style: chr19-11060160-CGAT-TGAC. GRCh37 (hg19) VCF-style: chr19-11170836-CGAT-TGAC.
Other names: c.4884_4887delinsTGAC, p.Asp1628_Asp1629= (NM_001128844.3); c.4794_4797delinsTGAC, p.Asp1598_Asp1599= (NM_001128845.2); c.4791_4794delinsTGAC, p.Asp1597_Asp1598= (NM_001128846.2); c.4785_4788delinsTGAC, p.Asp1595_Asp1596= (NM_001128847.4, NM_001374457.1); c.4782_4785delinsTGAC, p.Asp1594_Asp1595= (NM_001128848.2); c.4980_4983delinsTGAC, p.Asp1660_Asp1661= (NM_001128849.3, NM_001387283.1); c.4881_4884delinsTGAC, p.Asp1627_Asp1628= (NM_001411150.1).
Identifiers: ClinVar variation 5042128 (VCV005042128.1).

ClinVar aggregate classification (germline): Benign (1 of 4 stars; one submission).

Conditions:
Rhabdoid tumor predisposition syndrome 2 (RTPS2). Identifiers: Orphanet 231108, Orphanet 69077, MedGen C2750074, MONDO:0013224, OMIM 613325.

Submission:

Myriad Genetics, Inc.
Classification: Benign for Rhabdoid tumor predisposition syndrome 2. Last evaluated: 2026-07-27. Review status: criteria provided, single submitter. Criteria: Myriad Autosomal Dominant, Autosomal Recessive and X-Linked Classification Criteria (2023). Collection method: clinical testing. Allele origin: unknown.
Comment: This variant is considered benign. This variant is a silent/synonymous amino acid change and it is not expected to impact splicing.